The following is an entry in ClinVar:

ClinVar aggregate classification (germline): Uncertain significance. Review status: criteria provided, multiple submitters, no conflicts (2 of 4 stars). 2 submissions from 2 submitters: Uncertain significance (2). Last evaluated 2023-05-04.

Conditions:
Microcephaly, normal intelligence and immunodeficiency (NBS). Also called: IMMUNODEFICIENCY, MICROCEPHALY, AND CHROMOSOMAL INSTABILITY; Immunodeficiency, microcephaly with normal intelligence; SEEMANOVA SYNDROME II; Ataxia telangiectasia variant V1; Microcephaly with normal intelligence immunodeficiency and lymphoreticular malignancies; Nonsyndromal microcephaly autosomal recessive with normal intelligence. Identifiers: Orphanet 647, MedGen C0398791, MONDO:0009623, OMIM 251260.
Hereditary cancer-predisposing syndrome. Also called: Hereditary Cancer Syndrome; Hereditary neoplastic syndrome; Tumor predisposition; Neoplastic Syndromes, Hereditary. Identifiers: Orphanet 140162, MedGen C0027672, MeSH D009386, MONDO:0015356.

Submissions (2):

Labcorp Genetics (formerly Invitae), Labcorp
Classification: Uncertain significance for Microcephaly, normal intelligence and immunodeficiency. Last evaluated: 2023-05-04. Review status: criteria provided, single submitter. Criteria: Invitae Variant Classification Sherloc (09022015). Collection method: clinical testing. Allele origin: germline.
Comment: In summary, the available evidence is currently insufficient to determine the role of this variant in disease. Therefore, it has been classified as a Variant of Uncertain Significance. An algorithm developed to predict the effect of missense changes on protein structure and function (PolyPhen-2) suggests that this variant is likely to be disruptive. ClinVar contains an entry for this variant (Variation ID: 1363881). This variant has not been reported in the literature in individuals affected with NBN-related conditions. This variant is not present in population databases (gnomAD no frequency). This sequence change replaces lysine, which is basic and polar, with glutamic acid, which is acidic and polar, at codon 225 of the NBN protein (p.Lys225Glu).

Ambry Genetics
Classification: Uncertain significance for Hereditary cancer-predisposing syndrome. Last evaluated: 2021-01-05. Review status: criteria provided, single submitter. Criteria: Ambry Variant Classification Scheme 2023. Collection method: clinical testing. Allele origin: germline.
Comment: The p.K225E variant (also known as c.673A>G), located in coding exon 6 of the NBN gene, results from an A to G substitution at nucleotide position 673. The lysine at codon 225 is replaced by glutamic acid, an amino acid with similar properties. This amino acid position is well conserved in available vertebrate species. In addition, this alteration is predicted to be deleterious by in silico analysis. Since supporting evidence is limited at this time, the clinical significance of this alteration remains unclear.

NM_002485.5(NBN):c.673A>G (p.Lys225Glu)

Gene: NBN (nibrin; minus strand). Cytogenetic location: 8q21.3.
Variant type: single nucleotide variant.
Coding change: c.673A>G on transcript NM_002485.5 (MANE Select); coding-DNA position 673, A replaced by G.
Protein change: p.Lys225Glu; replaces lysine 225 with glutamic acid.
Molecular consequence: missense variant.
Genome position (GRCh38, 1-based): chr8:89,971,202, T>C on the plus strand (A>G on the coding strand, the complement: NBN is on the minus strand). VCF-style: chr8-89971202-T-C. GRCh37 (hg19) VCF-style: chr8-90983430-T-C.
Other names: c.427A>G, p.Lys143Glu (NM_001024688.3); short protein forms K225E, K143E.
Identifiers: ClinVar variation 1363881 (VCV001363881.6), dbSNP rs2129837868, ClinGen allele CA371659011.